The following is an entry in ClinVar:

NM_004064.5(CDKN1B):c.168C>G (p.Ser56Arg)

Gene: CDKN1B (cyclin dependent kinase inhibitor 1B; plus strand). Cytogenetic location: 12p13.1.
Variant type: single nucleotide variant.
Coding change: c.168C>G on transcript NM_004064.5 (MANE Select); coding-DNA position 168, C replaced by G.
Protein change: p.Ser56Arg; replaces serine 56 with arginine.
Molecular consequence: missense variant.
Genome position (GRCh38, 1-based): chr12:12,718,007, C>G. VCF-style: chr12-12718007-C-G. GRCh37 (hg19) VCF-style: chr12-12870941-C-G.
Other names: short protein forms S56R.
Identifiers: ClinVar variation 2562089 (VCV002562089.5), dbSNP rs35456792, ClinGen allele CA383969161.

ClinVar aggregate classification (germline): Uncertain significance. Review status: criteria provided, multiple submitters, no conflicts (2 of 4 stars). 2 submissions from 2 submitters: Uncertain significance (2). Last evaluated 2025-05-31.

Conditions:
Hereditary cancer-predisposing syndrome. Also called: Tumor predisposition; Hereditary neoplastic syndrome; Neoplastic Syndromes, Hereditary; Hereditary Cancer Syndrome. Identifiers: Orphanet 140162, MedGen C0027672, MeSH D009386, MONDO:0015356.
Multiple endocrine neoplasia type 4. Also called: MULTIPLE ENDOCRINE NEOPLASIA, TYPE IV. Identifiers: Orphanet 276152, MedGen C1970712, MONDO:0012552, OMIM 610755.

Submissions (2):

Ambry Genetics
Classification: Uncertain significance for Hereditary cancer-predisposing syndrome. Last evaluated: 2025-05-31. Review status: criteria provided, single submitter. Criteria: Ambry Variant Classification Scheme 2023. Collection method: clinical testing. Allele origin: germline.
Comment: The p.S56R variant (also known as c.168C>G), located in coding exon 1 of the CDKN1B gene, results from a C to G substitution at nucleotide position 168. The serine at codon 56 is replaced by arginine, an amino acid with dissimilar properties. This amino acid position is not well conserved in available vertebrate species. In addition, this alteration is predicted to be tolerated by in silico analysis. Since supporting evidence is limited at this time, the clinical significance of this alteration remains unclear.

Labcorp Genetics (formerly Invitae), Labcorp
Classification: Uncertain significance for Multiple endocrine neoplasia type 4. Last evaluated: 2025-05-04. Review status: criteria provided, single submitter. Criteria: Invitae Variant Classification Sherloc (09022015). Collection method: clinical testing. Allele origin: germline.
Comment: This sequence change replaces serine, which is neutral and polar, with arginine, which is basic and polar, at codon 56 of the CDKN1B protein (p.Ser56Arg). This variant is not present in population databases (gnomAD no frequency). This variant has not been reported in the literature in individuals affected with CDKN1B-related conditions. ClinVar contains an entry for this variant (Variation ID: 2562089). An algorithm developed to predict the effect of missense changes on protein structure and function (PolyPhen-2) suggests that this variant is likely to be tolerated. In summary, the available evidence is currently insufficient to determine the role of this variant in disease. Therefore, it has been classified as a Variant of Uncertain Significance.